The following is an entry in ClinVar:

NM_001040142.2(SCN2A):c.847C>G (p.Pro283Ala)

Gene: SCN2A (sodium voltage-gated channel alpha subunit 2; plus strand). Cytogenetic location: 2q24.3.
Variant type: single nucleotide variant.
Coding change: c.847C>G on transcript NM_001040142.2 (MANE Select); coding-DNA position 847, C replaced by G.
Protein change: p.Pro283Ala; replaces proline 283 with alanine.
Molecular consequence: missense variant.
Genome position (GRCh38, 1-based): chr2:165,310,472, C>G. VCF-style: chr2-165310472-C-G. GRCh37 (hg19) VCF-style: chr2-166166982-C-G.
Other names: c.847C>G, p.Pro283Ala (NM_001040143.2, NM_001371246.1, NM_001371247.1 and 1 more transcripts); short protein forms P283A.
Identifiers: ClinVar variation 533491 (VCV000533491.14), dbSNP rs765714006, ClinGen allele CA1939705.

ClinVar aggregate classification (germline): Uncertain significance. Review status: criteria provided, multiple submitters, no conflicts (2 of 4 stars). 3 submissions from 3 submitters: Uncertain significance (3). Last evaluated 2024-01-25.

Conditions:
Seizures, benign familial infantile, 3 (BFIS3). Also called: Familial neonatal seizures; CONVULSIONS, BENIGN FAMILIAL INFANTILE, 3. Identifiers: Orphanet 140927, Orphanet 306, MedGen C1843140, MONDO:0011904, OMIM 607745.
Developmental and epileptic encephalopathy, 11 (DEE11). Also called: Early infantile epileptic encephalopathy 11. Identifiers: Orphanet 1934, MedGen C3150987, MONDO:0013388, OMIM 613721.

Allele frequency attached by ClinVar (database versions not stated): gnomAD exomes below 0.00001; ExAC 0.00001; TOPMed 0.00001.
gnomAD v4.1: 1 of 1,613,532 alleles (0.000062%); highest among the groups gnomAD compares: East Asian, 0.0022%; no homozygotes.

Submissions (3):

Labcorp Genetics (formerly Invitae), Labcorp
Classification: Uncertain significance for Seizures, benign familial infantile, 3; Developmental and epileptic encephalopathy, 11. Last evaluated: 2024-01-25. Review status: criteria provided, single submitter. Criteria: Invitae Variant Classification Sherloc (09022015). Collection method: clinical testing. Allele origin: germline.
Comment: This sequence change replaces proline, which is neutral and non-polar, with alanine, which is neutral and non-polar, at codon 283 of the SCN2A protein (p.Pro283Ala). This variant is present in population databases (rs765714006, gnomAD 0.006%). This variant has not been reported in the literature in individuals affected with SCN2A-related conditions. ClinVar contains an entry for this variant (Variation ID: 533491). Advanced modeling of protein sequence and biophysical properties (such as structural, functional, and spatial information, amino acid conservation, physicochemical variation, residue mobility, and thermodynamic stability) has been performed at Invitae for this missense variant, however the output from this modeling did not meet the statistical confidence thresholds required to predict the impact of this variant on SCN2A protein function. In summary, the available evidence is currently insufficient to determine the role of this variant in disease. Therefore, it has been classified as a Variant of Uncertain Significance.

Blueprint Genetics
Classification: Uncertain significance. Last evaluated: 2021-09-14. Review status: criteria provided, single submitter. Criteria: ACMG Guidelines, 2015. Collection method: clinical testing. Allele origin: germline.

GeneDx
Classification: Uncertain significance. Last evaluated: 2019-06-14. Review status: criteria provided, single submitter. Criteria: GeneDx Variant Classification Process June 2021. Collection method: clinical testing. Allele origin: germline. Affected: yes.
Comment: The majority of missense variants in this gene are considered pathogenic (Stenson et al., 2014); In silico analysis, which includes protein predictors and evolutionary conservation, supports a deleterious effect; Has not been previously published as pathogenic or benign to our knowledge; This substitution is predicted to be within the pore forming loop between the S5 and S6 transmembrane segments of the first homologous domain